The following is an entry in ClinVar:

ClinVar aggregate classification (germline): Likely benign. Review status: criteria provided, multiple submitters, no conflicts (2 of 4 stars). 6 submissions from 6 submitters: Likely benign (5). 1 of the submissions does not count toward it. Last evaluated 2025-12-23.

Conditions:
Hereditary cancer-predisposing syndrome. Also called: Neoplastic Syndromes, Hereditary; Hereditary neoplastic syndrome; Hereditary Cancer Syndrome; Tumor predisposition. Identifiers: Orphanet 140162, MedGen C0027672, MeSH D009386, MONDO:0015356.
RET-related disorder. Also called: RET-related disorders; RET-related condition; RET-related disease.
Multiple endocrine neoplasia, type 2 (MEN2). Identifiers: Orphanet 653, MedGen C4048306, MONDO:0019003. Disease mechanism: gain of function.

Allele frequency attached by ClinVar (database versions not stated): gnomAD exomes below 0.00001 and 0.00001; ExAC 0.00002; gnomAD 0.00003 and 0.00004; TOPMed 0.00004; ESP Exome Variant Server 0.00008.
gnomAD v4.1: 7 of 1,614,018 alleles (0.00043%); highest among the groups gnomAD compares: African/African-American, 0.0093%; no homozygotes.

Submissions (6):

Labcorp Genetics (formerly Invitae), Labcorp
Classification: Likely benign for Multiple endocrine neoplasia, type 2. Last evaluated: 2025-12-23. Review status: criteria provided, single submitter. Criteria: Invitae Variant Classification Sherloc (09022015). Collection method: clinical testing. Allele origin: germline.

Color Diagnostics, LLC DBA Color Health
Classification: Likely benign for Multiple endocrine neoplasia, type 2. Last evaluated: 2022-10-20. Review status: criteria provided, single submitter. Criteria: ACMG Guidelines, 2015. Collection method: clinical testing. Allele origin: germline.

Ambry Genetics
Classification: Likely benign for Hereditary cancer-predisposing syndrome. Last evaluated: 2022-08-02. Review status: criteria provided, single submitter. Criteria: Ambry Variant Classification Scheme 2023. Collection method: clinical testing. Allele origin: germline.

Blueprint Genetics
Classification: Likely benign. Last evaluated: 2022-03-31. Review status: criteria provided, single submitter. Criteria: ACMG Guidelines, 2015. Collection method: clinical testing. Allele origin: germline.

Sema4
Classification: Likely benign for Hereditary cancer-predisposing syndrome. Last evaluated: 2021-04-23. Review status: criteria provided, single submitter. Criteria: Sema4 Curation Guidelines. Collection method: curation. Allele origin: germline.

PreventionGenetics, part of Exact Sciences
Classification: Likely benign for RET-related condition. Last evaluated: 2023-08-18. Review status: no assertion criteria provided. Collection method: clinical testing. Allele origin: germline. Not counted in ClinVar's aggregate classification.
Comment: This variant is classified as likely benign based on ACMG/AMP sequence variant interpretation guidelines (Richards et al. 2015 PMID: 25741868, with internal and published modifications).

NM_020975.6(RET):c.2139G>A (p.Glu713=)

Gene: RET (ret proto-oncogene; plus strand). Cytogenetic location: 10q11.21.
Variant type: single nucleotide variant.
Coding change: c.2139G>A on transcript NM_020975.6 (MANE Select); coding-DNA position 2139, G replaced by A.
Protein change: p.Glu713=; no amino-acid change (glutamic acid 713 retained).
Molecular consequence: synonymous variant.
Genome position (GRCh38, 1-based): chr10:43,116,586, G>A. VCF-style: chr10-43116586-G-A. GRCh37 (hg19) VCF-style: chr10-43612034-G-A.
Other names: c.2139G>A, p.Glu713= (NM_000323.2, NM_001406743.1, NM_001406744.1 and 4 more transcripts); c.1377G>A, p.Glu459= (NM_001355216.2); c.2010G>A, p.Glu670= (NM_001406761.1, NM_001406762.1, NM_001406764.1); c.2004G>A, p.Glu668= (NM_001406763.1, NM_001406765.1); c.1851G>A, p.Glu617= (NM_001406766.1, NM_001406767.1, NM_001406770.1); c.1875G>A, p.Glu625= (NM_001406768.1); c.1743G>A, p.Glu581= (NM_001406769.1, NM_001406772.1); c.1701G>A, p.Glu567= (NM_001406771.1, NM_001406773.1); and 10 more.
Identifiers: ClinVar variation 701903 (VCV000701903.17), dbSNP rs149460492, ClinGen allele CA037678.
Genomic context (GRCh38, chr10:43,116,586, plus strand): 5'-CCCTGTCATCCTCACACTTTTCCCCCCTCTTCTCCCCCTTCCCTCATTTCCAACATAGGA[G>A]GATCCAAAGTGGGAATTCCCTCGGAAGAACTTGGTTCTTGGAAAAACTCTAGGAGAAGGC-3'
Protein context (NP_066124.1, residues 703-723): QVSVDAFKIL[Glu713=]DPKWEFPRKN